The following is an entry in ClinVar:

NM_014714.4(IFT140):c.1786G>C (p.Asp596His)

Gene: IFT140 (intraflagellar transport 140; minus strand). Cytogenetic location: 16p13.3.
Variant type: single nucleotide variant.
Coding change: c.1786G>C on transcript NM_014714.4 (MANE Select); coding-DNA position 1786, G replaced by C.
Protein change: p.Asp596His; replaces aspartic acid 596 with histidine.
Molecular consequence: missense variant.
Genome position (GRCh38, 1-based): chr16:1,566,276, C>G on the plus strand (G>C on the coding strand, the complement: IFT140 is on the minus strand). VCF-style: chr16-1566276-C-G. GRCh37 (hg19) VCF-style: chr16-1616277-C-G.
Other names: short protein forms D596H.
Identifiers: ClinVar variation 4705856 (VCV004705856.1).

ClinVar aggregate classification (germline): Uncertain significance (1 of 4 stars; one submission).

Conditions:
Saldino-Mainzer syndrome (SRTD9). Also called: CONORENAL SYNDROME; Renal dysplasia, retinal pigmentary dystrophy, cerebellar ataxia and skeletal dysplasia; SHORT-RIB THORACIC DYSPLASIA 9 WITHOUT POLYDACTYLY; short-rib thoracic dysplasia 9 with or without polydactyly. Identifiers: Orphanet 140969, MedGen C1849437, MONDO:0009964, OMIM 266920.

Submission:

Labcorp Genetics (formerly Invitae), Labcorp
Classification: Uncertain significance for Saldino-Mainzer syndrome. Last evaluated: 2025-11-04. Review status: criteria provided, single submitter. Criteria: Invitae Variant Classification Sherloc (09022015). Collection method: clinical testing. Allele origin: germline.
Comment: This sequence change replaces aspartic acid, which is acidic and polar, with histidine, which is basic and polar, at codon 596 of the IFT140 protein (p.Asp596His). This variant is not present in population databases (gnomAD no frequency). This variant has not been reported in the literature in individuals affected with IFT140-related conditions. Invitae Evidence Modeling of protein sequence and biophysical properties (such as structural, functional, and spatial information, amino acid conservation, physicochemical variation, residue mobility, and thermodynamic stability) indicates that this missense variant is not expected to disrupt IFT140 protein function with a negative predictive value of 80%. In summary, the available evidence is currently insufficient to determine the role of this variant in disease. Therefore, it has been classified as a Variant of Uncertain Significance.